The following is an entry in ClinVar:

NM_004655.4(AXIN2):c.2026G>C (p.Ala676Pro)

Gene: AXIN2 (axin 2; minus strand). Cytogenetic location: 17q24.1.
Variant type: single nucleotide variant.
Coding change: c.2026G>C on transcript NM_004655.4 (MANE Select); coding-DNA position 2026, G replaced by C.
Protein change: p.Ala676Pro; replaces alanine 676 with proline.
Molecular consequence: missense variant.
Genome position (GRCh38, 1-based): chr17:65,536,435, C>G on the plus strand (G>C on the coding strand, the complement: AXIN2 is on the minus strand). VCF-style: chr17-65536435-C-G. GRCh37 (hg19) VCF-style: chr17-63532553-C-G.
Other names: c.2026G>C (LRG_296t1); c.1831G>C, p.Ala611Pro (NM_001363813.1); short protein forms A676P, A611P.
Identifiers: ClinVar variation 567759 (VCV000567759.12), dbSNP rs1424100499, ClinGen allele CA400676137.

ClinVar aggregate classification (germline): Uncertain significance. Review status: criteria provided, multiple submitters, no conflicts (2 of 4 stars). 3 submissions from 3 submitters: Uncertain significance (3). Last evaluated 2025-07-25.

Conditions:
Hereditary cancer-predisposing syndrome. Also called: Neoplastic Syndromes, Hereditary; Tumor predisposition; Hereditary neoplastic syndrome; Hereditary Cancer Syndrome. Identifiers: Orphanet 140162, MedGen C0027672, MeSH D009386, MONDO:0015356.
Oligodontia-cancer predisposition syndrome. Also called: TOOTH AGENESIS-COLORECTAL CANCER SYNDROME. Identifiers: Orphanet 300576, MedGen C1837750, MONDO:0012075, OMIM 608615. Disease mechanism: loss of function.

Allele frequency attached by ClinVar (database versions not stated): gnomAD exomes 0.00001.
gnomAD v4.1: 4 of 1,613,392 alleles (0.00025%); highest among the groups gnomAD compares: Non-Finnish European, 0.00025%; no homozygotes.

Submissions (3):

Ambry Genetics
Classification: Uncertain significance for Hereditary cancer-predisposing syndrome. Last evaluated: 2025-07-25. Review status: criteria provided, single submitter. Criteria: Ambry Variant Classification Scheme 2023. Collection method: clinical testing. Allele origin: germline.
Comment: The p.A676P variant (also known as c.2026G>C), located in coding exon 7 of the AXIN2 gene, results from a G to C substitution at nucleotide position 2026. The alanine at codon 676 is replaced by proline, an amino acid with highly similar properties. This amino acid position is conserved. In addition, this alteration is predicted to be tolerated by in silico analysis. Since supporting evidence is limited at this time, the clinical significance of this alteration remains unclear.

Labcorp Genetics (formerly Invitae), Labcorp
Classification: Uncertain significance for Oligodontia-cancer predisposition syndrome. Last evaluated: 2025-02-06. Review status: criteria provided, single submitter. Criteria: Invitae Variant Classification Sherloc (09022015). Collection method: clinical testing. Allele origin: germline.
Comment: This sequence change replaces alanine, which is neutral and non-polar, with proline, which is neutral and non-polar, at codon 676 of the AXIN2 protein (p.Ala676Pro). This variant is not present in population databases (gnomAD no frequency). This variant has not been reported in the literature in individuals affected with AXIN2-related conditions. ClinVar contains an entry for this variant (Variation ID: 567759). Invitae Evidence Modeling of protein sequence and biophysical properties (such as structural, functional, and spatial information, amino acid conservation, physicochemical variation, residue mobility, and thermodynamic stability) indicates that this missense variant is not expected to disrupt AXIN2 protein function with a negative predictive value of 80%. In summary, the available evidence is currently insufficient to determine the role of this variant in disease. Therefore, it has been classified as a Variant of Uncertain Significance.

GeneDx
Classification: Uncertain significance. Last evaluated: 2022-08-23. Review status: criteria provided, single submitter. Criteria: GeneDx Variant Classification Process June 2021. Collection method: clinical testing. Allele origin: germline. Affected: yes.
Comment: Not observed at significant frequency in large population cohorts (gnomAD); In silico analysis supports that this missense variant does not alter protein structure/function; Has not been previously published as pathogenic or benign to our knowledge; This variant is associated with the following publications: (PMID: 15735151)